The following is an entry in ClinVar:

ClinVar aggregate classification (germline): Likely benign. Review status: criteria provided, multiple submitters, no conflicts (2 of 4 stars). 4 submissions from 4 submitters: Likely benign (4). Last evaluated 2025-08-29.

Conditions:
Hypertrophic cardiomyopathy. Also called: HYPERTROPHIC MYOCARDIOPATHY. Identifiers: Orphanet 217569, MedGen C0007194, MeSH D002312, MONDO:0005045, HP:0001639.
Cardiovascular phenotype. Identifiers: MedGen CN230736.
Cardiomyopathy (CMYO). Also called: Cardiomyopathies. Identifiers: Orphanet 167848, MedGen C0878544, MONDO:0004994, HP:0001638. Inheritance: Various modes of inheritance.

Allele frequency attached by ClinVar (database versions not stated): gnomAD 0.00001 and 0.00002; gnomAD exomes 0.00001; TOPMed 0.00001.
gnomAD v4.1: 12 of 1,579,194 alleles (0.00076%); highest among the groups gnomAD compares: Admixed American, 0.0054%; no homozygotes.

Submissions (4):

Labcorp Genetics (formerly Invitae), Labcorp
Classification: Likely benign for Hypertrophic cardiomyopathy. Last evaluated: 2025-08-29. Review status: criteria provided, single submitter. Criteria: Invitae Variant Classification Sherloc (09022015). Collection method: clinical testing. Allele origin: germline.

All of Us Research Program, National Institutes of Health
Classification: Likely benign for Hypertrophic cardiomyopathy. Last evaluated: 2024-04-25. Review status: criteria provided, single submitter. Criteria: ACMG Guidelines, 2015. Collection method: clinical testing. Allele origin: germline. Inheritance: Autosomal dominant inheritance. Observed: 1 variant allele, 1 heterozygote.
Comment: This study involves interpretation of variants in research participants for the purpose of population health screening. Participant phenotype was not available at the time of variant classification. Additional details can be found in publication PMID: 35346344, PMCID: PMC8962531

Ambry Genetics
Classification: Likely benign for Cardiovascular phenotype. Last evaluated: 2022-04-19. Review status: criteria provided, single submitter. Criteria: Ambry Variant Classification Scheme 2023. Collection method: clinical testing. Allele origin: germline.

Color Diagnostics, LLC DBA Color Health
Classification: Likely benign for Cardiomyopathy. Last evaluated: 2019-01-20. Review status: criteria provided, single submitter. Criteria: ACMG Guidelines, 2015. Collection method: clinical testing. Allele origin: germline.

NM_000256.3(MYBPC3):c.222C>T (p.Ala74=)

Gene: MYBPC3 (myosin binding protein C3; minus strand). Cytogenetic location: 11p11.2.
Variant type: single nucleotide variant.
Coding change: c.222C>T on transcript NM_000256.3 (MANE Select); coding-DNA position 222, C replaced by T.
Protein change: p.Ala74=; no amino-acid change (alanine 74 retained).
Molecular consequence: synonymous variant.
Genome position (GRCh38, 1-based): chr11:47,351,309, G>A on the plus strand (C>T on the coding strand, the complement: MYBPC3 is on the minus strand). VCF-style: chr11-47351309-G-A. GRCh37 (hg19) VCF-style: chr11-47372860-G-A.
Identifiers: ClinVar variation 699381 (VCV000699381.14), dbSNP rs985299902, ClinGen allele CA221708686.